The following is an entry in ClinVar:

ClinVar aggregate classification (germline): Benign. Review status: criteria provided, multiple submitters, no conflicts (2 of 4 stars). 2 submissions from 2 submitters: Benign (2). Last evaluated 2026-01-26.

Conditions:
KMT2E-related disorder. Also called: KMT2E-related condition.

Allele frequency attached by ClinVar (database versions not stated): ESP Exome Variant Server 0.00031; gnomAD exomes 0.00286; TOPMed 0.00311; gnomAD 0.00365; ExAC 0.00739; 1000 Genomes Project 30x 0.01483; 1000 Genomes Project 0.01737.
gnomAD v4.1: 4,969 of 1,580,236 alleles (0.31%); highest among the groups gnomAD compares: East Asian, 6.1%; 129 homozygotes.

Submissions (2):

Labcorp Genetics (formerly Invitae), Labcorp
Classification: Benign. Last evaluated: 2026-01-26. Review status: criteria provided, single submitter. Criteria: Invitae Variant Classification Sherloc (09022015). Collection method: clinical testing. Allele origin: germline.

PreventionGenetics, part of Exact Sciences
Classification: Benign for KMT2E-related condition. Last evaluated: 2025-02-10. Review status: criteria provided, single submitter. Criteria: ACMG Guidelines, 2015. Collection method: clinical testing. Allele origin: germline.
Comment: This variant is classified as benign based on ACMG/AMP sequence variant interpretation guidelines (Richards et al. 2015 PMID: 25741868, with internal and published modifications).

NM_182931.3(KMT2E):c.498-4G>A

Gene: KMT2E (lysine methyltransferase 2E (inactive); plus strand). Cytogenetic location: 7q22.3.
Variant type: single nucleotide variant.
Coding change: c.498-4G>A on transcript NM_182931.3 (MANE Select); 4 bases into the intron before coding-DNA position 498, G replaced by A.
Molecular consequence: intron variant.
Genome position (GRCh38, 1-based): chr7:105,073,615, G>A. VCF-style: chr7-105073615-G-A. GRCh37 (hg19) VCF-style: chr7-104714062-G-A.
Other names: c.498-4G>A (NM_018682.4, NM_182931.2).
Identifiers: ClinVar variation 2042229 (VCV002042229.5), dbSNP rs145147042, ClinGen allele CA4423732.